The following is an entry in ClinVar:

ClinVar aggregate classification (germline): Benign/Likely benign. Review status: criteria provided, multiple submitters, no conflicts (2 of 4 stars). 5 submissions from 5 submitters: Benign (3); Likely benign (2). Last evaluated 2025-07-29.

Allele frequency attached by ClinVar (database versions not stated): 1000 Genomes Project 30x 0.00172; 1000 Genomes Project 0.00220; TOPMed 0.00227; gnomAD 0.00257 and 0.00265; ESP Exome Variant Server 0.00284; gnomAD exomes 0.00300 and 0.00339; ExAC 0.00320.
gnomAD v4.1: 5,379 of 1,613,954 alleles (0.33%); highest among the groups gnomAD compares: Middle Eastern, 0.5%; 12 homozygotes.

Submissions (5):

Women's Health and Genetics/Laboratory Corporation of America, LabCorp
Classification: Benign. Last evaluated: 2025-07-29. Review status: criteria provided, single submitter. Criteria: LabCorp Variant Classification Summary - May 2015. Collection method: clinical testing. Allele origin: germline.

CeGaT Center for Human Genetics Tuebingen
Classification: Likely benign. Last evaluated: 2025-02-01. Review status: criteria provided, single submitter. Criteria: CeGaT Center For Human Genetics Tuebingen Variant Classification Criteria Version 2. Collection method: clinical testing. Allele origin: germline. Affected: yes. Observed: 6 variant alleles.
Comment: LRP1: BP4, BP7

Blueprint Genetics
Classification: Likely benign. Last evaluated: 2024-11-23. Review status: criteria provided, single submitter. Criteria: ACMG Guidelines, 2015. Collection method: clinical testing. Allele origin: germline.

Labcorp Genetics (formerly Invitae), Labcorp
Classification: Benign. Last evaluated: 2019-12-31. Review status: criteria provided, single submitter. Criteria: Invitae Variant Classification Sherloc (09022015). Collection method: clinical testing. Allele origin: germline.

Breakthrough Genomics
Classification: Benign. Review status: criteria provided, single submitter. Criteria: ACMG Guidelines, 2015. Collection method: not provided. Allele origin: germline. Inheritance: Autosomal recessive inheritance. Affected: yes.

NM_002332.3(LRP1):c.9411G>A (p.Thr3137=)

Gene: LRP1 (LDL receptor related protein 1; plus strand). Cytogenetic location: 12q13.3.
Variant type: single nucleotide variant.
Coding change: c.9411G>A on transcript NM_002332.3 (MANE Select); coding-DNA position 9411, G replaced by A.
Protein change: p.Thr3137=; no amino-acid change (threonine 3137 retained).
Molecular consequence: synonymous variant.
Genome position (GRCh38, 1-based): chr12:57,198,284, G>A. VCF-style: chr12-57198284-G-A. GRCh37 (hg19) VCF-style: chr12-57592067-G-A.
Identifiers: ClinVar variation 721284 (VCV000721284.31), dbSNP rs143423493, ClinGen allele CA6644685.